The following is an entry in ClinVar:

ClinVar aggregate classification (germline): Conflicting classifications of pathogenicity. Review status: criteria provided, conflicting classifications (1 of 4 stars). 4 submissions from 4 submitters: Uncertain significance (3); Likely benign (1). Last evaluated 2026-05-21.

Conditions:
Inborn genetic diseases. Identifiers: MedGen C0950123, MeSH D030342.
Developmental and epileptic encephalopathy, 18 (DEE18). Also called: Early infantile epileptic encephalopathy 18. Identifiers: Orphanet 369894, MedGen C3809624, MONDO:0014201, OMIM 615476.

Allele frequency attached by ClinVar (database versions not stated): ExAC 0.00001; gnomAD 0.00001 and 0.00002; TOPMed 0.00011; gnomAD exomes below 0.00001.
gnomAD v4.1: 4 of 1,610,678 alleles (0.00025%); highest among the groups gnomAD compares: Admixed American, 0.005%; no homozygotes.

Submissions (4):

Ambry Genetics
Classification: Likely benign for Inborn genetic diseases. Last evaluated: 2026-05-21. Review status: criteria provided, single submitter. Criteria: Ambry Variant Classification Scheme 2023. Collection method: clinical testing. Allele origin: germline.

Labcorp Genetics (formerly Invitae), Labcorp
Classification: Uncertain significance. Last evaluated: 2025-09-20. Review status: criteria provided, single submitter. Criteria: Invitae Variant Classification Sherloc (09022015). Collection method: clinical testing. Allele origin: germline.
Comment: This sequence change replaces lysine, which is basic and polar, with arginine, which is basic and polar, at codon 3257 of the SZT2 protein (p.Lys3257Arg). This variant is present in population databases (rs758380489, gnomAD 0.003%). This variant has not been reported in the literature in individuals affected with SZT2-related conditions. ClinVar contains an entry for this variant (Variation ID: 1058773). Invitae Evidence Modeling of protein sequence and biophysical properties (such as structural, functional, and spatial information, amino acid conservation, physicochemical variation, residue mobility, and thermodynamic stability) indicates that this missense variant is not expected to disrupt SZT2 protein function with a negative predictive value of 80%. In summary, the available evidence is currently insufficient to determine the role of this variant in disease. Therefore, it has been classified as a Variant of Uncertain Significance.

Genome-Nilou Lab
Classification: Uncertain significance for Developmental and epileptic encephalopathy, 18. Last evaluated: 2023-04-11. Review status: criteria provided, single submitter. Criteria: ACMG Guidelines, 2015. Collection method: clinical testing. Allele origin: germline. Affected: no.

New York Genome Center
Classification: Uncertain significance for Developmental and epileptic encephalopathy, 18. Last evaluated: 2021-08-20. Review status: criteria provided, single submitter. Criteria: NYGC Assertion Criteria 2020. Collection method: clinical testing. Allele origin: inherited. Observed: 1 heterozygote. Study: CSER-NYCKidSeq.

NM_001365999.1(SZT2):c.9941A>G (p.Lys3314Arg)

Genes: SZT2 (SZT2 subunit of KICSTOR complex; plus strand), SZT2-AS1 (SZT2 antisense RNA 1; minus strand). Cytogenetic location: 1p34.2.
Variant type: single nucleotide variant.
Coding change: c.9941A>G on transcript NM_001365999.1 (MANE Select); coding-DNA position 9941, A replaced by G.
Protein change: p.Lys3314Arg; replaces lysine 3314 with arginine.
Molecular consequence: missense variant. On other transcripts: non-coding transcript variant (1).
Genome position (GRCh38, 1-based): chr1:43,448,456, A>G. VCF-style: chr1-43448456-A-G. GRCh37 (hg19) VCF-style: chr1-43914127-A-G.
Other names: c.9770A>G, p.Lys3257Arg (NM_015284.4); c.9770A>G (NM_015284.3); short protein forms K3257R, K3314R.
Identifiers: ClinVar variation 1058773 (VCV001058773.10), dbSNP rs758380489, ClinGen allele CA811037.